The following is an entry in ClinVar:

NM_002645.4(PIK3C2A):c.226A>T (p.Met76Leu)

Gene: PIK3C2A (phosphatidylinositol-4-phosphate 3-kinase catalytic subunit type 2 alpha; minus strand). Cytogenetic location: 11p15.1.
Variant type: single nucleotide variant.
Coding change: c.226A>T on transcript NM_002645.4 (MANE Select); coding-DNA position 226, A replaced by T.
Protein change: p.Met76Leu; replaces methionine 76 with leucine.
Molecular consequence: missense variant. On other transcripts: intron variant (1).
Genome position (GRCh38, 1-based): chr11:17,169,516, T>A on the plus strand (A>T on the coding strand, the complement: PIK3C2A is on the minus strand). VCF-style: chr11-17169516-T-A. GRCh37 (hg19) VCF-style: chr11-17191063-T-A.
Other names: c.226A>T, p.Met76Leu (NM_001321378.2, NM_001386870.1); c.-75-13887A>T (NM_001321380.2); short protein forms M76L.
Identifiers: ClinVar variation 1952135 (VCV001952135.5), dbSNP rs745673763, ClinGen allele CA5901606.
Genomic context (GRCh38, chr11:17,169,516, plus strand): 5'-TGAGCTTTTCTACATCAATATCTAATGCTCTTTTTTGGGAATCTGATTCAGGAAACACCA[T>A]GAGATCATAATCCTGCTTGTTATAAACCTGTGCTTTTTTTCTGGTGCTGCTTGACAACTC-3'
Protein context (NP_002636.2, residues 66-86): QVYNKQDYDL[Met76Leu]VFPESDSQKR

ClinVar aggregate classification (germline): Uncertain significance (1 of 4 stars; one submission).

Allele frequency attached by ClinVar (database versions not stated): gnomAD 0.00002; gnomAD exomes 0.00002; TOPMed 0.00002; ExAC 0.00003.
gnomAD v4.1: 30 of 1,596,716 alleles (0.0019%); highest among the groups gnomAD compares: Non-Finnish European, 0.0024%; no homozygotes.

Submission:

Labcorp Genetics (formerly Invitae), Labcorp
Classification: Uncertain significance. Last evaluated: 2022-07-03. Review status: criteria provided, single submitter. Criteria: Invitae Variant Classification Sherloc (09022015). Collection method: clinical testing. Allele origin: germline.
Comment: In summary, the available evidence is currently insufficient to determine the role of this variant in disease. Therefore, it has been classified as a Variant of Uncertain Significance. Algorithms developed to predict the effect of missense changes on protein structure and function are either unavailable or do not agree on the potential impact of this missense change (SIFT: "Not Available"; PolyPhen-2: "Benign"; Align-GVGD: "Not Available"). This variant has not been reported in the literature in individuals affected with PIK3C2A-related conditions. This variant is present in population databases (rs745673763, gnomAD 0.004%). This sequence change replaces methionine, which is neutral and non-polar, with leucine, which is neutral and non-polar, at codon 76 of the PIK3C2A protein (p.Met76Leu).